The following is an entry in ClinVar:

ClinVar aggregate classification (germline): Likely pathogenic (1 of 4 stars; one submission).

Submission:

GeneDx
Classification: Likely pathogenic. Last evaluated: 2025-06-02. Review status: criteria provided, single submitter. Criteria: GeneDx Variant Classification Process June 2021. Collection method: clinical testing. Allele origin: germline. Affected: yes.
Comment: In silico analysis supports a deleterious effect on splicing; Not observed at significant frequency in large population cohorts (gnomAD); This variant is associated with the following publications: (PMID: 33517344)

NM_005334.3(HCFC1):c.1781_1803+3delinsCA

Gene: HCFC1 (host cell factor C1; minus strand). Cytogenetic location: Xq28.
Variant type: Indel.
Coding change: c.1781_1803+3delinsCA on transcript NM_005334.3 (MANE Select); coding-DNA position 1781 through 3 bases into the intron after coding-DNA position 1803, AGGTGGCCTCCTCGCCAGTCATGGTG replaced by CA.
Molecular consequence: splice donor variant.
Genome position (GRCh38, 1-based): chrX:153,958,566-153,958,591, CACCATGACTGGCGAGGAGGCCACCT replaced by TG on the plus strand (AGGTGGCCTCCTCGCCAGTCATGGTG replaced by CA on the coding strand, the reverse complement: HCFC1 is on the minus strand). VCF-style: chrX-153958566-CACCATGACTGGCGAGGAGGCCACCT-TG. GRCh37 (hg19) VCF-style: chrX-153224017-CACCATGACTGGCGAGGAGGCCACCT-TG.
Identifiers: ClinVar variation 424161 (VCV000424161.4), dbSNP rs1064796833, ClinGen allele CA16621242.